The following is an entry in ClinVar:

ClinVar aggregate classification (germline): Uncertain significance. Review status: criteria provided, multiple submitters, no conflicts (2 of 4 stars). 2 submissions from 2 submitters: Uncertain significance (2). Last evaluated 2023-11-02.

Conditions:
Dyskeratosis congenita. Identifiers: Orphanet 1775, MedGen C0265965, MONDO:0015780.

Allele frequency attached by ClinVar (database versions not stated): TOPMed 0.00001; gnomAD exomes 0.00005 and 0.00008; ExAC 0.00007; gnomAD 0.00007 and 0.00008.

Submissions (2):

Blueprint Genetics
Classification: Uncertain significance. Last evaluated: 2023-11-02. Review status: criteria provided, single submitter. Criteria: ACMG Guidelines, 2015. Collection method: clinical testing. Allele origin: germline.

Labcorp Genetics (formerly Invitae), Labcorp
Classification: Uncertain significance for Dyskeratosis congenita. Last evaluated: 2022-12-14. Review status: criteria provided, single submitter. Criteria: Invitae Variant Classification Sherloc (09022015). Collection method: clinical testing. Allele origin: germline.
Comment: In summary, the available evidence is currently insufficient to determine the role of this variant in disease. Therefore, it has been classified as a Variant of Uncertain Significance. Advanced modeling of protein sequence and biophysical properties (such as structural, functional, and spatial information, amino acid conservation, physicochemical variation, residue mobility, and thermodynamic stability) performed at Invitae indicates that this missense variant is expected to disrupt CTC1 protein function. ClinVar contains an entry for this variant (Variation ID: 1040235). This variant has not been reported in the literature in individuals affected with CTC1-related conditions. This variant is present in population databases (rs778922727, gnomAD 0.06%). This sequence change replaces proline, which is neutral and non-polar, with alanine, which is neutral and non-polar, at codon 206 of the CTC1 protein (p.Pro206Ala).

NM_025099.6(CTC1):c.616C>G (p.Pro206Ala)

Gene: CTC1 (CST telomere replication complex component 1; minus strand). Cytogenetic location: 17p13.1.
Variant type: single nucleotide variant.
Coding change: c.616C>G on transcript NM_025099.6 (MANE Select); coding-DNA position 616, C replaced by G.
Protein change: p.Pro206Ala; replaces proline 206 with alanine.
Molecular consequence: missense variant. On other transcripts: non-coding transcript variant (1).
Genome position (GRCh38, 1-based): chr17:8,238,062, G>C on the plus strand (C>G on the coding strand, the complement: CTC1 is on the minus strand). VCF-style: chr17-8238062-G-C. GRCh37 (hg19) VCF-style: chr17-8141380-G-C.
Other names: short protein forms P206A.
Identifiers: ClinVar variation 1040235 (VCV001040235.7), dbSNP rs778922727, ClinGen allele CA8372599.